The following is an entry in ClinVar:

NM_001875.5(CPS1):c.3757-1G>A

Gene: CPS1 (carbamoyl-phosphate synthase 1; plus strand). Cytogenetic location: 2q34.
Variant type: single nucleotide variant.
Coding change: c.3757-1G>A on transcript NM_001875.5 (MANE Select); the canonical splice acceptor site of the intron before coding-DNA position 3757, G replaced by A.
Molecular consequence: splice acceptor variant.
Genome position (GRCh38, 1-based): chr2:210,660,484, G>A. VCF-style: chr2-210660484-G-A. GRCh37 (hg19) VCF-style: chr2-211525208-G-A.
Other names: c.3757-1G>A (NM_001369257.1, NM_001122633.3); c.3790-1G>A (NM_001369256.1).
Identifiers: ClinVar variation 1067992 (VCV001067992.7), dbSNP rs2105922845, ClinGen allele CA350438398.

ClinVar aggregate classification (germline): Likely pathogenic (1 of 4 stars; one submission).

Conditions:
Congenital hyperammonemia, type I. Also called: Carbamoyl phosphate synthetase I deficiency disease; Carbamoyl phosphate synthetase 1 deficiency; Hyperammonemia due to carbamoyl phosphate synthetase 1 deficiency; CPS 1 deficiency; Carbamyl phosphate synthetase (CPS) deficiency; CPS I DEFICIENCY. Identifiers: Orphanet 147, MedGen C4082171, MONDO:0009376, OMIM 237300.

Submission:

Labcorp Genetics (formerly Invitae), Labcorp
Classification: Likely pathogenic for Congenital hyperammonemia, type I. Last evaluated: 2020-07-01. Review status: criteria provided, single submitter. Criteria: Invitae Variant Classification Sherloc (09022015). Collection method: clinical testing. Allele origin: germline.
Comment: This sequence change affects an acceptor splice site in intron 31 of the CPS1 gene. It is expected to disrupt RNA splicing and likely results in an absent or disrupted protein product. This variant is not present in population databases (ExAC no frequency). This variant has not been reported in the literature in individuals with CPS1-related conditions. Algorithms developed to predict the effect of sequence changes on RNA splicing suggest that this variant may disrupt the consensus splice site, but this prediction has not been confirmed by published transcriptional studies. Donor and acceptor splice site variants typically lead to a loss of protein function (PMID: 16199547), and loss-of-function variants in CPS1 are known to be pathogenic (PMID: 21120950). In summary, the currently available evidence indicates that the variant is pathogenic, but additional data are needed to prove that conclusively. Therefore, this variant has been classified as Likely Pathogenic.

Literature cited by the submitters: PubMed 16199547; PubMed 21120950.